The following is an entry in ClinVar:

NM_033026.6(PCLO):c.11453A>G (p.Lys3818Arg)

Gene: PCLO (piccolo presynaptic cytomatrix protein; minus strand). Cytogenetic location: 7q21.11.
Variant type: single nucleotide variant.
Coding change: c.11453A>G on transcript NM_033026.6 (MANE Select); coding-DNA position 11453, A replaced by G.
Protein change: p.Lys3818Arg; replaces lysine 3818 with arginine.
Molecular consequence: missense variant.
Genome position (GRCh38, 1-based): chr7:82,916,533, T>C on the plus strand (A>G on the coding strand, the complement: PCLO is on the minus strand). VCF-style: chr7-82916533-T-C. GRCh37 (hg19) VCF-style: chr7-82545849-T-C.
Other names: c.11453A>G, p.Lys3818Arg (NM_014510.3); short protein forms K3818R.
Identifiers: ClinVar variation 2703965 (VCV002703965.3), dbSNP rs2535555963, ClinGen allele CA367893823.

ClinVar aggregate classification (germline): Uncertain significance (1 of 4 stars; one submission).

Submission:

Labcorp Genetics (formerly Invitae), Labcorp
Classification: Uncertain significance. Last evaluated: 2026-01-23. Review status: criteria provided, single submitter. Criteria: Invitae Variant Classification Sherloc (09022015). Collection method: clinical testing. Allele origin: germline.
Comment: This sequence change replaces lysine, which is basic and polar, with arginine, which is basic and polar, at codon 3818 of the PCLO protein (p.Lys3818Arg). This variant is not present in population databases (gnomAD no frequency). This variant has not been reported in the literature in individuals affected with PCLO-related conditions. ClinVar contains an entry for this variant (Variation ID: 2703965). Experimental studies and prediction algorithms are not available or were not evaluated, and the functional significance of this variant is currently unknown. In summary, the available evidence is currently insufficient to determine the role of this variant in disease. Therefore, it has been classified as a Variant of Uncertain Significance.